The following is an entry in ClinVar:

NM_000094.4(COL7A1):c.6044G>T (p.Gly2015Val)

Gene: COL7A1 (collagen type VII alpha 1 chain; minus strand). Cytogenetic location: 3p21.31.
Variant type: single nucleotide variant.
Coding change: c.6044G>T on transcript NM_000094.4 (MANE Select); coding-DNA position 6044, G replaced by T.
Protein change: p.Gly2015Val; replaces glycine 2015 with valine.
Molecular consequence: missense variant.
Genome position (GRCh38, 1-based): chr3:48,575,475, C>A on the plus strand (G>T on the coding strand, the complement: COL7A1 is on the minus strand). VCF-style: chr3-48575475-C-A. GRCh37 (hg19) VCF-style: chr3-48612908-C-A.
Other names: short protein forms G2015V.
Identifiers: ClinVar variation 1047978 (VCV001047978.9), dbSNP rs121912843, ClinGen allele CA352663667.
Genomic context (GRCh38, chr3:48,575,475, plus strand): 5'-TCCCCGGCAAGGCCGGAAGGCCCGGGGGGGCCCCTCTCCCCAAGGGCCAGACCAGGTGGC[C>A]CCTGAGGGCCAGGGTCTCCACGGTCGCCCTTCAGCCCGCGTTCTCCAGGAAAGCCGATGG-3'
Protein context (NP_000085.1, residues 2005-2025): KGDRGDPGPQ[Gly2015Val]PPGLALGERG

ClinVar aggregate classification (germline): Conflicting classifications of pathogenicity. Review status: criteria provided, conflicting classifications (1 of 4 stars). 3 submissions from 3 submitters: Pathogenic (1); Likely pathogenic (1); Uncertain significance (1). Last evaluated 2026-01-15.

Conditions:
Epidermolysis bullosa dystrophica. Also called: Dystrophic epidermolysis bullosa, Hallopeau-Siemens type (formerly); Dystrophic epidermolysis bullosa. Identifiers: Orphanet 303, MedGen C0079294, MONDO:0006543.

Submissions (3):

Women's Health and Genetics/Laboratory Corporation of America, LabCorp
Classification: Uncertain significance. Last evaluated: 2026-01-15. Review status: criteria provided, single submitter. Criteria: LabCorp Variant Classification Summary - May 2015. Collection method: clinical testing. Allele origin: germline.
Comment: Variant summary: COL7A1 c.6044G>T (p.Gly2015Val) results in a non-conservative amino acid change in the encoded protein sequence. Algorithms developed to predict the effect of missense changes on protein structure and function all suggest that this variant is likely to be disruptive. The variant was absent in 241260 control chromosomes. The available data on variant occurrences in the general population are insufficient to allow any conclusion about variant significance. c.6044G>T has been observed in individual(s) affected with Dystrophic Epidermolysis Bullosa, Dominant (Varki_2006). These data do not allow any conclusion about variant significance. To our knowledge, no experimental evidence demonstrating an impact on protein function has been reported. A different variant located at the same codon (c.6044G>A, p.Gly215Glu) has been classified as Pathogenic, supporting a critical relevance of this residue to COL7A1 protein function. The following publication has been ascertained in the context of this evaluation (PMID: 16971478). ClinVar contains an entry for this variant (Variation ID: 1047978). Based on the evidence outlined above, the variant was classified as VUS-possibly pathogenic.

Labcorp Genetics (formerly Invitae), Labcorp
Classification: Likely pathogenic. Last evaluated: 2020-08-23. Review status: criteria provided, single submitter. Criteria: Invitae Variant Classification Sherloc (09022015). Collection method: clinical testing. Allele origin: germline.
Comment: This sequence change replaces glycine with valine at codon 2015 of the COL7A1 protein (p.Gly2015Val). The glycine residue is highly conserved and there is a moderate physicochemical difference between glycine and valine. In summary, the currently available evidence indicates that the variant is pathogenic, but additional data are needed to prove that conclusively. Therefore, this variant has been classified as Likely Pathogenic. This variant disrupts the p.Gly2015 amino acid residue in COL7A1. Other variant(s) that disrupt this residue have been determined to be pathogenic (PMID:21448560, 9668111,19726672). This suggests that this residue is clinically significant, and that variants that disrupt this residue are likely to be disease-causing. Algorithms developed to predict the effect of sequence changes on RNA splicing suggest that this variant may create or strengthen a splice site, but this prediction has not been confirmed by published transcriptional studies. Advanced modeling of protein sequence and biophysical properties (such as structural, functional, and spatial information, amino acid conservation, physicochemical variation, residue mobility, and thermodynamic stability) performed at Invitae indicates that this missense variant is expected to disrupt COL7A1 protein function. This variant has been observed in individual(s) with clinical features of autosomal dominant epidermolysis bullosa dystrophica (PMID: 16971478). This variant is not present in population databases (ExAC no frequency).

Biomedical Innovation Departament, CIEMAT
Classification: Pathogenic for Dystrophic epidermolysis bullosa. Last evaluated: 2018-12-01. Review status: criteria provided, single submitter. Criteria: ACMG Guidelines, 2015. Collection method: research. Allele origin: germline. Affected: yes. Observed: 1 variant allele.

Literature cited by the submitters: PubMed 16971478 (cited by 3 submitters); PubMed 21448560 (cited by Labcorp Genetics (formerly Invitae), Labcorp); PubMed 9668111 (cited by Labcorp Genetics (formerly Invitae), Labcorp); PubMed 19726672 (cited by Labcorp Genetics (formerly Invitae), Labcorp).